The following is an entry in ClinVar:

NM_001267550.2(TTN):c.56759G>A (p.Trp18920Ter)

Genes: TTN (titin; minus strand), TTN-AS1 (TTN antisense RNA 1; plus strand). Cytogenetic location: 2q31.2.
Variant type: single nucleotide variant.
Coding change: c.56759G>A on transcript NM_001267550.2 (MANE Select); coding-DNA position 56759, G replaced by A.
Protein change: p.Trp18920Ter; replaces tryptophan 18920 with a stop codon.
Molecular consequence: nonsense.
Genome position (GRCh38, 1-based): chr2:178,598,951, C>T on the plus strand (G>A on the coding strand, the complement: TTN is on the minus strand). VCF-style: chr2-178598951-C-T. GRCh37 (hg19) VCF-style: chr2-179463678-C-T.
Other names: c.51836G>A, p.Trp17279Ter (NM_001256850.1); c.29564G>A, p.Trp9855Ter (NM_003319.4); c.49055G>A, p.Trp16352Ter (NM_133378.4); c.29939G>A, p.Trp9980Ter (NM_133432.3); c.30140G>A, p.Trp10047Ter (NM_133437.4); short protein forms W10047*, W16352*, W17279*, W18920*, W9855*, W9980*.
Identifiers: ClinVar variation 1676924 (VCV001676924.8), dbSNP rs2154190939, ClinGen allele CA349527206.

ClinVar aggregate classification (germline): Likely pathogenic. Review status: criteria provided, multiple submitters, no conflicts (2 of 4 stars). 2 submissions from 2 submitters: Likely pathogenic (2). Last evaluated 2026-01-26.

Conditions:
Dilated cardiomyopathy 1G (CMD1G). Identifiers: Orphanet 154, MedGen C1858763, MONDO:0011400, OMIM 604145.
Autosomal recessive limb-girdle muscular dystrophy type 2J (LGMDR10). Also called: MUSCULAR DYSTROPHY, LIMB-GIRDLE, AUTOSOMAL RECESSIVE 10; Limb-girdle muscular dystrophy, type 2J. Identifiers: Orphanet 140922, MedGen C1837342, MONDO:0012127, OMIM 608807.

gnomAD v4.1: 1 of 1,612,794 alleles (0.000062%); highest among the groups gnomAD compares: Non-Finnish European, 0.000085%; no homozygotes.

Submissions (2):

Labcorp Genetics (formerly Invitae), Labcorp
Classification: Likely pathogenic for Dilated cardiomyopathy 1G; Autosomal recessive limb-girdle muscular dystrophy type 2J. Last evaluated: 2026-01-26. Review status: criteria provided, single submitter. Criteria: Invitae Variant Classification Sherloc (09022015). Collection method: clinical testing. Allele origin: germline.
Comment: This sequence change creates a premature translational stop signal (p.Trp18920*) in the TTN gene. While this is not anticipated to result in nonsense mediated decay, it is expected to create a truncated TTN protein. This variant is not present in population databases (gnomAD no frequency). This variant has not been reported in the literature in individuals affected with TTN-related conditions. ClinVar contains an entry for this variant (Variation ID: 1676924). This variant is located in the A band of TTN (PMID: 25589632). Truncating variants in this region are significantly overrepresented in patients affected with dilated cardiomyopathy (PMID: 25589632). Truncating variants in this region have also been reported in individuals affected with autosomal recessive centronuclear myopathy (PMID: 23975875). In summary, the currently available evidence indicates that the variant is pathogenic, but additional data are needed to prove that conclusively. Therefore, this variant has been classified as Likely Pathogenic.

GeneDx
Classification: Likely pathogenic. Last evaluated: 2024-02-23. Review status: criteria provided, single submitter. Criteria: GeneDx Variant Classification Process June 2021. Collection method: clinical testing. Allele origin: germline. Affected: yes.
Comment: Has not been previously published as pathogenic or benign to our knowledge; Not observed at significant frequency in large population cohorts (gnomAD); Located in the A-band region of titin, where the majority of truncating pathogenic variants associated with DCM have been reported (PMID: 23975875); Nonsense variant predicted to result in protein truncation or nonsense mediated decay in a gene for which loss-of-function is a known mechanism of disease; This variant is associated with the following publications: (PMID: 22335739, 23975875)

Literature cited by the submitters: PubMed 25589632 (cited by Labcorp Genetics (formerly Invitae), Labcorp); PubMed 23975875 (cited by Labcorp Genetics (formerly Invitae), Labcorp).